The following is an entry in ClinVar:

NM_198253.3(TERT):c.1211C>T (p.Pro404Leu)

Gene: TERT (telomerase reverse transcriptase; minus strand). Cytogenetic location: 5p15.33.
Variant type: single nucleotide variant.
Coding change: c.1211C>T on transcript NM_198253.3 (MANE Select); coding-DNA position 1211, C replaced by T.
Protein change: p.Pro404Leu; replaces proline 404 with leucine.
Molecular consequence: missense variant. On other transcripts: non-coding transcript variant (2).
Genome position (GRCh38, 1-based): chr5:1,293,675, G>A on the plus strand (C>T on the coding strand, the complement: TERT is on the minus strand). VCF-style: chr5-1293675-G-A. GRCh37 (hg19) VCF-style: chr5-1293790-G-A.
Other names: c.1211C>T, p.Pro404Leu (NM_001193376.3, NM_003219.1); short protein forms P404L.
Identifiers: ClinVar variation 2454066 (VCV002454066.5), dbSNP rs1060503008, ClinGen allele CA359086526.
Genomic context (GRCh38, chr5:1,293,675, plus strand): 5'-CCGGCTGCTGGGGTGACCGCAGCTCGCAGCGGGCAGTGCGTCTTGAGGAGCACCCCGTAG[G>A]GGCACTGCGCGTGGTTCCCAAGCAGCTCCAGAAACAGGGGCCGCATTTGCCAGTAGCGCT-3'
Protein context (NP_937983.2, residues 394-414): LELLGNHAQC[Pro404Leu]YGVLLKTHCP

ClinVar aggregate classification (germline): Uncertain significance. Review status: criteria provided, multiple submitters, no conflicts (2 of 4 stars). 2 submissions from 2 submitters: Uncertain significance (2). Last evaluated 2022-11-23.

Conditions:
Dyskeratosis congenita, autosomal dominant 2. Identifiers: MedGen C3151443, MONDO:0013521, OMIM 613989.
Idiopathic Pulmonary Fibrosis. Also called: Idiopathic fibrosing alveolitis, chronic form; idiopathic fibrosing alveolitis. Identifiers: Orphanet 2032, MedGen C1800706, MeSH D054990, MONDO:0800504.
Dyskeratosis congenita. Identifiers: Orphanet 1775, MedGen C0265965, MONDO:0015780.

Submissions (2):

Labcorp Genetics (formerly Invitae), Labcorp
Classification: Uncertain significance for Dyskeratosis congenita, autosomal dominant 2; Idiopathic Pulmonary Fibrosis. Last evaluated: 2022-11-23. Review status: criteria provided, single submitter. Criteria: Invitae Variant Classification Sherloc (09022015). Collection method: clinical testing. Allele origin: germline.
Comment: In summary, the available evidence is currently insufficient to determine the role of this variant in disease. Therefore, it has been classified as a Variant of Uncertain Significance. Advanced modeling of protein sequence and biophysical properties (such as structural, functional, and spatial information, amino acid conservation, physicochemical variation, residue mobility, and thermodynamic stability) performed at Invitae indicates that this missense variant is expected to disrupt TERT protein function. This variant has not been reported in the literature in individuals affected with TERT-related conditions. This variant is not present in population databases (gnomAD no frequency). This sequence change replaces proline, which is neutral and non-polar, with leucine, which is neutral and non-polar, at codon 404 of the TERT protein (p.Pro404Leu).

Ambry Genetics
Classification: Uncertain significance for Dyskeratosis congenita. Last evaluated: 2022-11-17. Review status: criteria provided, single submitter. Criteria: Ambry Variant Classification Scheme 2023. Collection method: clinical testing. Allele origin: germline.
Comment: The p.P404L variant (also known as c.1211C>T), located in coding exon 2 of the TERT gene, results from a C to T substitution at nucleotide position 1211. The proline at codon 404 is replaced by leucine, an amino acid with similar properties. This amino acid position is conserved. In addition, the in silico prediction for this alteration is inconclusive. Since supporting evidence is limited at this time, the clinical significance of this alteration remains unclear.